The following is an entry in ClinVar:

ClinVar aggregate classification (germline): Uncertain significance. Review status: criteria provided, multiple submitters, no conflicts (2 of 4 stars). 2 submissions from 2 submitters: Uncertain significance (2). Last evaluated 2024-08-21.

Conditions:
Inborn genetic diseases. Identifiers: MedGen C0950123, MeSH D030342.

Allele frequency attached by ClinVar (database versions not stated): gnomAD 0.00010.

Submissions (2):

Ambry Genetics
Classification: Uncertain significance for Inborn genetic diseases. Last evaluated: 2024-08-21. Review status: criteria provided, single submitter. Criteria: Ambry Variant Classification Scheme 2023. Collection method: clinical testing. Allele origin: germline.

Labcorp Genetics (formerly Invitae), Labcorp
Classification: Uncertain significance. Last evaluated: 2024-05-08. Review status: criteria provided, single submitter. Criteria: Invitae Variant Classification Sherloc (09022015). Collection method: clinical testing. Allele origin: germline.
Comment: This sequence change replaces methionine, which is neutral and non-polar, with lysine, which is basic and polar, at codon 1721 of the FOCAD protein (p.Met1721Lys). This variant is present in population databases (rs773906094, gnomAD 0.02%). This variant has not been reported in the literature in individuals affected with FOCAD-related conditions. ClinVar contains an entry for this variant (Variation ID: 2366117). Experimental studies and prediction algorithms are not available or were not evaluated, and the functional significance of this variant is currently unknown. In summary, the available evidence is currently insufficient to determine the role of this variant in disease. Therefore, it has been classified as a Variant of Uncertain Significance.

NM_001375567.1(FOCAD):c.5162T>A (p.Met1721Lys)

Gene: FOCAD (focadhesin; plus strand). Cytogenetic location: 9p21.3.
Variant type: single nucleotide variant.
Coding change: c.5162T>A on transcript NM_001375567.1 (MANE Select); coding-DNA position 5162, T replaced by A.
Protein change: p.Met1721Lys; replaces methionine 1721 with lysine.
Molecular consequence: missense variant.
Genome position (GRCh38, 1-based): chr9:20,990,280, T>A. VCF-style: chr9-20990280-T-A. GRCh37 (hg19) VCF-style: chr9-20990279-T-A.
Other names: c.5057T>A, p.Met1686Lys (NM_001375568.1, NM_001375570.1); c.5162T>A, p.Met1721Lys (NM_017794.5); short protein forms M1721K, M1686K.
Identifiers: ClinVar variation 2366117 (VCV002366117.6), dbSNP rs773906094, ClinGen allele CA5008216.